The following is an entry in ClinVar:

ClinVar aggregate classification (germline): Conflicting classifications of pathogenicity. Review status: criteria provided, conflicting classifications (1 of 4 stars). 3 submissions from 3 submitters: Likely pathogenic (2); Uncertain significance (1). Last evaluated 2023-12-05.

Conditions:
Hereditary spastic paraplegia 3A (SPG3A). Also called: SPASTIC PARAPLEGIA 3, AUTOSOMAL DOMINANT; FAMILIAL SPASTIC PARAPLEGIA, AUTOSOMAL DOMINANT, 1; SPG3; STRUMPELL DISEASE; Spastic Paraplegia 3A; Spastic paraplegia 3A, autosomal dominant. Identifiers: Orphanet 100984, MedGen C2931355, MONDO:0008437, OMIM 182600.
Abnormal pyramidal sign. Also called: Abnormal pyramidal signs. Identifiers: MedGen C0234132, HP:0007256.

Submissions (3):

3billion
Classification: Likely pathogenic for Hereditary spastic paraplegia 3A. Last evaluated: 2023-12-05. Review status: criteria provided, single submitter. Criteria: ACMG Guidelines, 2015. Collection method: clinical testing. Allele origin: germline. Affected: yes.
Comment: The variant is not observed in the gnomAD v2.1.1 dataset. Predicted Consequence/Location: Missense changes are a common disease-causing mechanism. In silico tool predictions suggest damaging effect of the variant on gene or gene product [3Cnet: 0.63 (>=0.6, sensitivity 0.72 and precision 0.9)]. Same nucleotide change resulting in same amino acid change (ClinVar ID: VCV000410596) and a different missense change at the same codon (p.Gln154Glu / PMID: 20932283) have been previously reported to be associated with ATL1 related disorder. Therefore, this variant is classified as Likely pathogenic according to the recommendation of ACMG/AMP guideline.

Labcorp Genetics (formerly Invitae), Labcorp
Classification: Uncertain significance for Hereditary spastic paraplegia 3A. Last evaluated: 2020-03-03. Review status: criteria provided, single submitter. Criteria: Invitae Variant Classification Sherloc (09022015). Collection method: clinical testing. Allele origin: germline.
Comment: In summary, this variant is a novel missense change with uncertain impact on protein function. It has been classified as a Variant of Uncertain Significance. This sequence change replaces glutamine with arginine at codon 154 of the ATL1 protein (p.Gln154Arg). The glutamine residue is highly conserved and there is a small physicochemical difference between glutamine and arginine. This variant is not present in population databases (ExAC no frequency) and has not been reported in the literature in individuals with a ATL1-related disease. Algorithms developed to predict the effect of missense changes on protein structure and function do not agree on the potential impact of this missense change (SIFT: "Deleterious"; PolyPhen-2: "Benign"; Align-GVGD: "Class C35"). However, a different missense substitution at this codon (p.Gln154Glu) is reported to be deleterious (PMID: 20932283). This indicates that the p.Gln154 residue is important for ATL1 protein function.

Equipe Genetique des Anomalies du Developpement, Université de Bourgogne
Classification: Likely pathogenic for Abnormal pyramidal sign. Review status: criteria provided, single submitter. Criteria: ACMG Guidelines, 2015. Collection method: clinical testing. Allele origin: unknown. Affected: yes.

Literature cited by the submitters: PubMed 20932283 (cited by 3billion and Labcorp Genetics (formerly Invitae), Labcorp).

NM_015915.5(ATL1):c.461A>G (p.Gln154Arg)

Gene: ATL1 (atlastin GTPase 1; plus strand). Cytogenetic location: 14q22.1.
Variant type: single nucleotide variant.
Coding change: c.461A>G on transcript NM_015915.5 (MANE Select); coding-DNA position 461, A replaced by G.
Protein change: p.Gln154Arg; replaces glutamine 154 with arginine.
Molecular consequence: missense variant.
Genome position (GRCh38, 1-based): chr14:50,591,578, A>G. VCF-style: chr14-50591578-A-G. GRCh37 (hg19) VCF-style: chr14-51058296-A-G.
Other names: c.461A>G (LRG_360t2); c.461A>G, p.Gln154Arg (NM_001127713.1, NM_181598.4); short protein forms Q154R.
Identifiers: ClinVar variation 410596 (VCV000410596.10), dbSNP rs1060502971, ClinGen allele CA16614191.